The following is an entry in ClinVar:

NM_020778.5(ALPK3):c.2618C>A (p.Thr873Asn)

Gene: ALPK3 (alpha kinase 3; plus strand). Cytogenetic location: 15q25.3.
Variant type: single nucleotide variant.
Coding change: c.2618C>A on transcript NM_020778.5 (MANE Select); coding-DNA position 2618, C replaced by A.
Protein change: p.Thr873Asn; replaces threonine 873 with asparagine.
Molecular consequence: missense variant.
Genome position (GRCh38, 1-based): chr15:84,857,356, C>A. VCF-style: chr15-84857356-C-A. GRCh37 (hg19) VCF-style: chr15-85400587-C-A.
Other names: short protein forms T873N.
Identifiers: ClinVar variation 4766379 (VCV004766379.1).

ClinVar aggregate classification (germline): Uncertain significance (1 of 4 stars; one submission).

gnomAD v4.1: 4 of 1,614,198 alleles (0.00025%); highest among the groups gnomAD compares: Non-Finnish European, 0.00034%; no homozygotes.

Submission:

Labcorp Genetics (formerly Invitae), Labcorp
Classification: Uncertain significance. Last evaluated: 2025-08-25. Review status: criteria provided, single submitter. Criteria: Invitae Variant Classification Sherloc (09022015). Collection method: clinical testing. Allele origin: germline.
Comment: This sequence change replaces threonine, which is neutral and polar, with asparagine, which is neutral and polar, at codon 1075 of the ALPK3 protein (p.Thr1075Asn). This variant is not present in population databases (gnomAD no frequency). This variant has not been reported in the literature in individuals affected with ALPK3-related conditions. Invitae Evidence Modeling of protein sequence and biophysical properties (such as structural, functional, and spatial information, amino acid conservation, physicochemical variation, residue mobility, and thermodynamic stability) indicates that this missense variant is not expected to disrupt ALPK3 protein function with a negative predictive value of 80%. In summary, the available evidence is currently insufficient to determine the role of this variant in disease. Therefore, it has been classified as a Variant of Uncertain Significance.